The following is an entry in ClinVar:

NM_020975.6(RET):c.2850C>T (p.Asn950=)

Gene: RET (ret proto-oncogene; plus strand). Cytogenetic location: 10q11.21.
Variant type: single nucleotide variant.
Coding change: c.2850C>T on transcript NM_020975.6 (MANE Select); coding-DNA position 2850, C replaced by T.
Protein change: p.Asn950=; no amino-acid change (asparagine 950 retained).
Molecular consequence: synonymous variant.
Genome position (GRCh38, 1-based): chr10:43,123,719, C>T. VCF-style: chr10-43123719-C-T. GRCh37 (hg19) VCF-style: chr10-43619167-C-T.
Other names: c.2850C>T, p.Asn950= (NM_000323.2, NM_001406743.1, NM_001406744.1 and 4 more transcripts); c.2088C>T, p.Asn696= (NM_001355216.2); c.2721C>T, p.Asn907= (NM_001406761.1, NM_001406762.1, NM_001406764.1); c.2715C>T, p.Asn905= (NM_001406763.1, NM_001406765.1); c.2562C>T, p.Asn854= (NM_001406766.1, NM_001406767.1, NM_001406770.1); c.2586C>T, p.Asn862= (NM_001406768.1); c.2454C>T, p.Asn818= (NM_001406769.1, NM_001406772.1); c.2412C>T, p.Asn804= (NM_001406771.1, NM_001406773.1); and 10 more.
Identifiers: ClinVar variation 1594798 (VCV001594798.15), dbSNP rs2133004987, ClinGen allele CA469030629.
Genomic context (GRCh38, chr10:43,123,719, plus strand): 5'-CACTCTCTGCAGATGGTCTTTTGGTGTCCTGCTGTGGGAGATCGTGACCCTAGGGGGAAA[C>T]CCCTATCCTGGGATTCCTCCTGAGCGGCTCTTCAACCTTCTGAAGACCGGCCACCGGATG-3'
Protein context (NP_066124.1, residues 940-960): LLWEIVTLGG[Asn950=]PYPGIPPERL

ClinVar aggregate classification (germline): Likely benign. Review status: criteria provided, multiple submitters, no conflicts (2 of 4 stars). 3 submissions from 3 submitters: Likely benign (3). Last evaluated 2026-01-05.

Conditions:
Hereditary cancer-predisposing syndrome. Also called: Hereditary neoplastic syndrome; Hereditary Cancer Syndrome; Neoplastic Syndromes, Hereditary; Tumor predisposition. Identifiers: Orphanet 140162, MedGen C0027672, MeSH D009386, MONDO:0015356.
Multiple endocrine neoplasia, type 2 (MEN2). Identifiers: Orphanet 653, MedGen C4048306, MONDO:0019003. Disease mechanism: gain of function.

Allele frequency attached by ClinVar (database versions not stated): gnomAD exomes below 0.00001.

Submissions (3):

Labcorp Genetics (formerly Invitae), Labcorp
Classification: Likely benign for Multiple endocrine neoplasia, type 2. Last evaluated: 2026-01-05. Review status: criteria provided, single submitter. Criteria: Invitae Variant Classification Sherloc (09022015). Collection method: clinical testing. Allele origin: germline.

All of Us Research Program, National Institutes of Health
Classification: Likely benign for Multiple endocrine neoplasia, type 2. Last evaluated: 2024-05-14. Review status: criteria provided, single submitter. Criteria: ACMG Guidelines, 2015. Collection method: clinical testing. Allele origin: germline. Inheritance: Autosomal dominant inheritance. Observed: 2 variant alleles, 2 heterozygotes.
Comment: This study involves interpretation of variants in research participants for the purpose of population health screening. Participant phenotype was not available at the time of variant classification. Additional details can be found in publication PMID: 35346344, PMCID: PMC8962531

Ambry Genetics
Classification: Likely benign for Hereditary cancer-predisposing syndrome. Last evaluated: 2023-05-25. Review status: criteria provided, single submitter. Criteria: Ambry Variant Classification Scheme 2023. Collection method: clinical testing. Allele origin: germline.